The following is an entry in ClinVar:

NM_018082.6(POLR3B):c.745C>G (p.Gln249Glu)

Gene: POLR3B (RNA polymerase III subunit B; plus strand). Cytogenetic location: 12q23.3.
Variant type: single nucleotide variant.
Coding change: c.745C>G on transcript NM_018082.6 (MANE Select); coding-DNA position 745, C replaced by G.
Protein change: p.Gln249Glu; replaces glutamine 249 with glutamic acid.
Molecular consequence: missense variant.
Genome position (GRCh38, 1-based): chr12:106,393,052, C>G. VCF-style: chr12-106393052-C-G. GRCh37 (hg19) VCF-style: chr12-106786830-C-G.
Other names: c.571C>G, p.Gln191Glu (NM_001160708.2); short protein forms Q191E, Q249E.
Identifiers: ClinVar variation 1028087 (VCV001028087.1), dbSNP rs2036932047, ClinGen allele CA386385079.
Genomic context (GRCh38, chr12:106,393,052, plus strand): 5'-CAAAGCCAACACTCTTTCTATCTTTTCTTTCCTTCCTAGGCCATGGGTGTTGAGAGTGAC[C>G]AGGAAATTGTGCAGATGATTGGAACAGAGGAGCACGTGATGGCTGCATTTGGGCCCAGTC-3'
Protein context (NP_060552.4, residues 239-259): IFKAMGVESD[Gln249Glu]EIVQMIGTEE

ClinVar aggregate classification (germline): Uncertain significance (1 of 4 stars; one submission).

Conditions:
Leukodystrophy, hypomyelinating, 8, with or without oligodontia and/or hypogonadotropic hypogonadism. Also called: Hypomyelinating leukodystrophy 8 with or without oligodontia and-or hypogonadotropic hypogonadism; LEUKODYSTROPHY, HYPOMYELINATING, 8, WITH HYPODONTIA AND HYPOGONADOTROPIC HYPOGONADISM; Endosteal sclerosis-cerebellar hypoplasia syndrome. Identifiers: Orphanet 85186, Orphanet 88637, MedGen C3280644, MONDO:0013722, OMIM 614381.

Allele frequency attached by ClinVar (database versions not stated): TOPMed below 0.00001.

Submission:

Baylor Genetics
Classification: Uncertain significance for Leukodystrophy, hypomyelinating, 8, with or without oligodontia and/or hypogonadotropic hypogonadism. Last evaluated: 2019-07-05. Review status: criteria provided, single submitter. Criteria: ACMG Guidelines, 2015. Collection method: clinical testing. Allele origin: unknown. Affected: yes.
Comment: This variant was determined to be of uncertain significance according to ACMG Guidelines, 2015 [PMID:25741868]. The c.1568T>A (p.V523E) variant has been previously reported as disease-causing [PMID 22036172]

Literature cited by the submitters: PubMed 22036172.